The following is an entry in ClinVar:

ClinVar aggregate classification (germline): Uncertain significance (1 of 4 stars; one submission).

Submission:

Ambry Genetics
Classification: Uncertain significance. Last evaluated: 2025-08-14. Review status: criteria provided, single submitter. Criteria: Ambry Variant Classification Scheme 2023. Collection method: clinical testing. Allele origin: germline.
Comment: The p.K41E variant (also known as c.121A>G), located in coding exon 1 of the CDK12 gene, results from an A to G substitution at nucleotide position 121. The lysine at codon 41 is replaced by glutamic acid, an amino acid with similar properties. This amino acid position is conserved. In addition, this alteration is predicted to be tolerated by in silico analysis. Based on the available evidence, the clinical significance of this variant remains unclear.

NM_016507.4(CDK12):c.121A>G (p.Lys41Glu)

Genes: CDK12 (cyclin dependent kinase 12; plus strand), LOC126862553 (CDK7 strongly-dependent group 2 enhancer GRCh37_chr17:37618166-37619365; plus strand). Cytogenetic location: 17q12.
Variant type: single nucleotide variant.
Coding change: c.121A>G on transcript NM_016507.4 (MANE Select); coding-DNA position 121, A replaced by G.
Protein change: p.Lys41Glu; replaces lysine 41 with glutamic acid.
Molecular consequence: missense variant.
Genome position (GRCh38, 1-based): chr17:39,462,192, A>G. VCF-style: chr17-39462192-A-G. GRCh37 (hg19) VCF-style: chr17-37618445-A-G.
Other names: c.121A>G, p.Lys41Glu (NM_015083.4); short protein forms K41E.
Identifiers: ClinVar variation 4224383 (VCV004224383.1).